The following is an entry in ClinVar:

NM_006000.3(TUBA4A):c.705C>G (p.Val235=)

Gene: TUBA4A (tubulin alpha 4a; minus strand). Cytogenetic location: 2q35.
Variant type: single nucleotide variant.
Coding change: c.705C>G on transcript NM_006000.3 (MANE Select); coding-DNA position 705, C replaced by G.
Protein change: p.Val235=; no amino-acid change (valine 235 retained).
Molecular consequence: synonymous variant.
Genome position (GRCh38, 1-based): chr2:219,250,994, G>C on the plus strand (C>G on the coding strand, the complement: TUBA4A is on the minus strand). VCF-style: chr2-219250994-G-C. GRCh37 (hg19) VCF-style: chr2-220115716-G-C.
Other names: c.660C>G, p.Val220= (NM_001278552.2).
Identifiers: ClinVar variation 4984867 (VCV004984867.1).
Genomic context (GRCh38, chr2:219,250,994, plus strand): 5'-GAACTCTGTCAGGTCCACATTGAGGGCCCCGTCAAAGCGCAGAGAAGCTGTGATGGAGGA[G>C]ACAATTTGGCTAATGAGGCGATTGAGGTTGGTGTAGGTTGGGCGCTCGATGTCTAGGTTG-3'
Protein context (NP_005991.1, residues 225-245): TNLNRLISQI[Val235=]SSITASLRFD

ClinVar aggregate classification (germline): Likely benign (1 of 4 stars; one submission).

Conditions:
TUBA4A-related disorder. Also called: TUBA4A-related condition.

Submission:

PreventionGenetics, part of Exact Sciences
Classification: Likely benign for TUBA4A-related condition. Last evaluated: 2025-02-13. Review status: criteria provided, single submitter. Criteria: ACMG Guidelines, 2015. Collection method: clinical testing. Allele origin: germline.
Comment: This variant is classified as likely benign based on ACMG/AMP sequence variant interpretation guidelines (Richards et al. 2015 PMID: 25741868, with internal and published modifications).